The following is an entry in ClinVar:

NM_022047.4(DEF6):c.1268G>A (p.Arg423Gln)

Gene: DEF6 (DEF6 guanine nucleotide exchange factor; plus strand). Cytogenetic location: 6p21.31.
Variant type: single nucleotide variant.
Coding change: c.1268G>A on transcript NM_022047.4 (MANE Select); coding-DNA position 1268, G replaced by A.
Protein change: p.Arg423Gln; replaces arginine 423 with glutamine.
Molecular consequence: missense variant.
Genome position (GRCh38, 1-based): chr6:35,319,576, G>A. VCF-style: chr6-35319576-G-A. GRCh37 (hg19) VCF-style: chr6-35287353-G-A.
Other names: short protein forms R423Q.
Identifiers: ClinVar variation 1499223 (VCV001499223.4), dbSNP rs545840832, ClinGen allele CA3770908.

ClinVar aggregate classification (germline): Uncertain significance (1 of 4 stars; one submission).

Allele frequency attached by ClinVar (database versions not stated): gnomAD 0.00001 and 0.00002; TOPMed 0.00001; ExAC 0.00003; gnomAD exomes 0.00004; 1000 Genomes Project 30x 0.00016; 1000 Genomes Project 0.00020.
gnomAD v4.1: 45 of 1,613,686 alleles (0.0028%); highest among the groups gnomAD compares: South Asian, 0.037%; no homozygotes.

Submission:

Labcorp Genetics (formerly Invitae), Labcorp
Classification: Uncertain significance. Last evaluated: 2023-10-03. Review status: criteria provided, single submitter. Criteria: Invitae Variant Classification Sherloc (09022015). Collection method: clinical testing. Allele origin: germline.
Comment: This sequence change replaces arginine, which is basic and polar, with glutamine, which is neutral and polar, at codon 423 of the DEF6 protein (p.Arg423Gln). This variant is present in population databases (rs545840832, gnomAD 0.03%). This variant has not been reported in the literature in individuals affected with DEF6-related conditions. ClinVar contains an entry for this variant (Variation ID: 1499223). An algorithm developed to predict the effect of missense changes on protein structure and function (PolyPhen-2) suggests that this variant¬†is likely to be tolerated. In summary, the available evidence is currently insufficient to determine the role of this variant in disease. Therefore, it has been classified as a Variant of Uncertain Significance.